The following is an entry in ClinVar:

NM_005956.4(MTHFD1):c.152T>C (p.Leu51Pro)

Gene: MTHFD1 (methylenetetrahydrofolate dehydrogenase, cyclohydrolase and formyltetrahydrofolate synthetase 1; plus strand). Cytogenetic location: 14q23.3.
Variant type: single nucleotide variant.
Coding change: c.152T>C on transcript NM_005956.4 (MANE Select); coding-DNA position 152, T replaced by C.
Protein change: p.Leu51Pro; replaces leucine 51 with proline.
Molecular consequence: missense variant.
Genome position (GRCh38, 1-based): chr14:64,411,115, T>C. VCF-style: chr14-64411115-T-C. GRCh37 (hg19) VCF-style: chr14-64877833-T-C.
Other names: c.152T>C, p.Leu51Pro (LRG_1243t1, NM_001364837.1); short protein forms L51P.
Identifiers: ClinVar variation 446309 (VCV000446309.1), dbSNP rs1555336810, ClinGen allele CA389967501.

ClinVar aggregate classification (germline): Likely pathogenic. Review status: criteria provided, single submitter (1 of 4 stars). 2 submissions from 2 submitters: Likely pathogenic (1). 1 of the submissions does not count toward it. Last evaluated 2018-10-15.

Conditions:
Combined immunodeficiency and megaloblastic anemia with or without hyperhomocysteinemia. Also called: COMBINED IMMUNODEFICIENCY AND MEGALOBLASTIC ANEMIA; METHYLENETETRAHYDROFOLATE DEHYDROGENASE 1 DEFICIENCY. Identifiers: Orphanet 658813, MedGen C4540434, MONDO:0060611, OMIM 617780.

Submissions (2):

SIB Swiss Institute of Bioinformatics
Classification: Likely pathogenic for Combined immunodeficiency and megaloblastic anemia with or without hyperhomocysteinemia. Last evaluated: 2018-10-15. Review status: criteria provided, single submitter. Criteria: ACMG Guidelines, 2015. Collection method: curation. Allele origin: unknown.
Comment: This variant is interpreted as Likely Pathogenic, for Combined immunodeficiency and megaloblastic anemia with or without hyperhomocysteinemia, autosomal recessive. The following ACMG Tag(s) were applied: PM2 => Absent from controls (or at extremely low frequency if recessive) in Exome Sequencing Project, 1000 Genomes Project, or Exome Aggregation Consortium. PP1 => Cosegregation with disease in multiple affected family members in a gene definitively known to cause the disease (PubMed 27707659). PP3 => Multiple lines of computational evidence support a deleterious effect on the gene or gene product. PM1-Supporting => PM1 downgraded in strength to Supporting. PM3-Supporting => PM3 downgraded in strength to Supporting (PubMed 27707659).

OMIM
Classification: Pathogenic for COMBINED IMMUNODEFICIENCY AND MEGALOBLASTIC ANEMIA. Last evaluated: 2017-11-21. Review status: no assertion criteria provided. Collection method: literature only. Allele origin: germline. Not counted in ClinVar's aggregate classification.

Literature cited by the submitters: PubMed 27707659 (cited by SIB Swiss Institute of Bioinformatics and OMIM).